The following is an entry in ClinVar:

ClinVar aggregate classification (germline): Likely pathogenic (1 of 4 stars; one submission).

Submission:

Quest Diagnostics Nichols Institute San Juan Capistrano
Classification: Likely pathogenic. Last evaluated: 2025-10-21. Review status: criteria provided, single submitter. Criteria: Quest Diagnostics criteria. Collection method: clinical testing. Allele origin: unknown.
Comment: The VWF c.4764del (p.His1588Glnfs*105) variant alters the translational reading frame of the VWF mRNA and is predicted to cause the premature termination of VWF protein synthesis. To the best of our knowledge, this variant has not been reported in the published literature. This variant also has not been reported in large, multi-ethnic general populations (Genome Aggregation Database). Based on the available information, this variant is classified as likely pathogenic.

NM_000552.5(VWF):c.4764del (p.His1588fs)

Gene: VWF (von Willebrand factor; minus strand). Cytogenetic location: 12p13.31.
Variant type: Deletion.
Coding change: c.4764del on transcript NM_000552.5 (MANE Select); coding-DNA position 4764, one base deleted (C; older notation c.4764delC).
Protein change: p.His1588fs; shifts the reading frame from histidine 1588.
Molecular consequence: frameshift variant.
Genome position (GRCh38, 1-based): chr12:6,018,654, G deleted on the plus strand (C on the coding strand, the reverse complement: VWF is on the minus strand). VCF-style (leftmost placement, unchanged base first): chr12-6018653-TG-T. GRCh37 (hg19) VCF-style: chr12-6127819-TG-T.
Other names: short protein forms H1588fs.
Identifiers: ClinVar variation 4533011 (VCV004533011.1).